The following is an entry in ClinVar:

NM_001042492.3(NF1):c.4668T>C (p.Asp1556=)

Gene: NF1 (neurofibromin 1; plus strand). Cytogenetic location: 17q11.2.
Variant type: single nucleotide variant.
Coding change: c.4668T>C on transcript NM_001042492.3 (MANE Select); coding-DNA position 4668, T replaced by C.
Protein change: p.Asp1556=; no amino-acid change (aspartic acid 1556 retained).
Molecular consequence: synonymous variant.
Genome position (GRCh38, 1-based): chr17:31,261,801, T>C. VCF-style: chr17-31261801-T-C. GRCh37 (hg19) VCF-style: chr17-29588819-T-C.
Other names: c.4605T>C, p.Asp1535= (NM_000267.4).
Identifiers: ClinVar variation 413027 (VCV000413027.38), dbSNP rs763874870, ClinGen allele CA8486453.

ClinVar aggregate classification (germline): Benign/Likely benign. Review status: criteria provided, multiple submitters, no conflicts (2 of 4 stars). 11 submissions from 11 submitters: Benign (1); Likely benign (9). 1 of the submissions does not count toward it. Last evaluated 2026-05-19.

Conditions:
Hereditary cancer-predisposing syndrome. Also called: Tumor predisposition; Hereditary neoplastic syndrome; Hereditary Cancer Syndrome; Neoplastic Syndromes, Hereditary. Identifiers: Orphanet 140162, MedGen C0027672, MeSH D009386, MONDO:0015356.
Cardiovascular phenotype. Identifiers: MedGen CN230736.
NF1-related disorder. Also called: NF1-related condition. Identifiers: MedGen CN379171.
Juvenile myelomonocytic leukemia (JMML). Also called: LEUKEMIA, JUVENILE MYELOMONOCYTIC, SOMATIC. Identifiers: Orphanet 86834, MedGen C0349639, MONDO:0011908, OMIM 607785, HP:0012209.
Neurofibromatosis, familial spinal (FSNF). Identifiers: Orphanet 636, MedGen C1834235, MONDO:0008078, OMIM 162210. Disease mechanism: loss of function.
Café-au-lait macules with pulmonary stenosis (WTSN). Also called: PULMONIC STENOSIS WITH CAFE-AU-LAIT SPOTS. Identifiers: MedGen C0553586, MONDO:0008672, OMIM 193520.
Neurofibromatosis, type 1 (NF1). Also called: Neurofibromatosis, type I; VON RECKLINGHAUSEN DISEASE; Peripheral type neurofibromatosis; NEUROFIBROMATOSIS, TYPE I, SOMATIC. Identifiers: Orphanet 636, MedGen C0027831, MONDO:0018975, OMIM 162200. Disease mechanism: loss of function.
Neurofibromatosis-Noonan syndrome (NFNS). Also called: NEUROFIBROMATOSIS WITH NOONAN PHENOTYPE. Identifiers: Orphanet 638, MedGen C2931482, MONDO:0011035, OMIM 601321. Disease mechanism: loss of function.

Allele frequency attached by ClinVar (database versions not stated): ExAC 0.00001; gnomAD exomes 0.00001 and 0.00002; gnomAD 0.00002; TOPMed 0.00004.
gnomAD v4.1: 26 of 1,612,774 alleles (0.0016%); highest among the groups gnomAD compares: Non-Finnish European, 0.002%; no homozygotes.

Submissions (11):

Myriad Genetics, Inc.
Classification: Benign for Neurofibromatosis, type 1. Last evaluated: 2026-05-19. Review status: criteria provided, single submitter. Criteria: Myriad Autosomal Dominant, Autosomal Recessive and X-Linked Classification Criteria (2023). Collection method: clinical testing. Allele origin: unknown.
Comment: This variant is considered benign. This variant is a silent/synonymous amino acid change and it is not expected to impact splicing.

Labcorp Genetics (formerly Invitae), Labcorp
Classification: Likely benign for Neurofibromatosis, type 1. Last evaluated: 2026-01-19. Review status: criteria provided, single submitter. Criteria: Invitae Variant Classification Sherloc (09022015). Collection method: clinical testing. Allele origin: germline.

Institute for Biomarker Research, Medical Diagnostic Laboratories, L.L.C.
Classification: Likely benign for Hereditary cancer-predisposing syndrome. Last evaluated: 2024-09-16. Review status: criteria provided, single submitter. Criteria: ACMG Guidelines, 2015. Collection method: clinical testing. Allele origin: germline.
Comment: The synonymous variant NM_000267.3(NF1):c.4605T>C (p.Asp1535=) has been reported to ClinVar as Likely benign with a status of (2 stars) criteria provided, multiple submitters, no conflicts (Variation ID 413027 as of 2024-08-01). The p.Asp1535= variant is observed in 1/34,582 (0.0029%) alleles from individuals of gnomAD Latino background in gnomAD. The p.Asp1535= variant is novel (not in any individuals) in 1kG. The p.Asp1535= variant is not predicted to disrupt an existing splice site. The p.Asp1535= variant results in a substitution of a base that is not predicted conserved by GERP++ and PhyloP. For these reasons, this variant has been classified as Likely Benign.

CeGaT Center for Human Genetics Tuebingen
Classification: Likely benign. Last evaluated: 2024-09-01. Review status: criteria provided, single submitter. Criteria: CeGaT Center For Human Genetics Tuebingen Variant Classification Criteria Version 2. Collection method: clinical testing. Allele origin: germline. Affected: yes. Observed: 1 variant allele.
Comment: NF1: BP4, BP7

Genome-Nilou Lab
Classification: Likely benign for Neurofibromatosis, type 1. Last evaluated: 2022-03-15. Review status: criteria provided, single submitter. Criteria: ACMG Guidelines, 2015. Collection method: clinical testing. Allele origin: germline. Affected: no.

Fulgent Genetics
Classification: Likely benign for Neurofibromatosis, type 1; Neurofibromatosis, familial spinal; Café-au-lait macules with pulmonary stenosis; Neurofibromatosis-Noonan syndrome; Juvenile myelomonocytic leukemia. Last evaluated: 2022-02-24. Review status: criteria provided, single submitter. Criteria: ACMG Guidelines, 2015. Collection method: clinical testing. Allele origin: unknown.

Sema4
Classification: Likely benign for Hereditary cancer-predisposing syndrome. Last evaluated: 2021-08-26. Review status: criteria provided, single submitter. Criteria: Sema4 Curation Guidelines. Collection method: curation. Allele origin: germline.

Genome Diagnostics Laboratory, The Hospital for Sick Children
Classification: Likely benign for Neurofibromatosis, type 1. Last evaluated: 2020-10-26. Review status: criteria provided, single submitter. Criteria: ACMG Guidelines, 2015. Collection method: clinical testing. Allele origin: germline. Affected: yes.

GeneDx
Classification: Likely benign. Last evaluated: 2019-05-17. Review status: criteria provided, single submitter. Criteria: GeneDx Variant Classification Process June 2021. Collection method: clinical testing. Allele origin: germline. Affected: yes.

Ambry Genetics
Classification: Likely benign for Cardiovascular phenotype; Hereditary cancer-predisposing syndrome. Last evaluated: 2015-07-03. Review status: criteria provided, single submitter. Criteria: Ambry General Variant Classification Scheme_2022. Collection method: clinical testing. Allele origin: germline. Observed: 1 variant allele.

PreventionGenetics, part of Exact Sciences
Classification: Likely benign for NF1-related condition. Last evaluated: 2019-12-20. Review status: no assertion criteria provided. Collection method: clinical testing. Allele origin: germline. Not counted in ClinVar's aggregate classification.
Comment: This variant is classified as likely benign based on ACMG/AMP sequence variant interpretation guidelines (Richards et al. 2015 PMID: 25741868, with internal and published modifications).